The following is an entry in ClinVar:

NM_199420.4(POLQ):c.5635T>A (p.Ser1879Thr)

Gene: POLQ (DNA polymerase theta; minus strand). Cytogenetic location: 3q13.33.
Variant type: single nucleotide variant.
Coding change: c.5635T>A on transcript NM_199420.4 (MANE Select); coding-DNA position 5635, T replaced by A.
Protein change: p.Ser1879Thr; replaces serine 1879 with threonine.
Molecular consequence: missense variant.
Genome position (GRCh38, 1-based): chr3:121,485,179, A>T on the plus strand (T>A on the coding strand, the complement: POLQ is on the minus strand). VCF-style: chr3-121485179-A-T. GRCh37 (hg19) VCF-style: chr3-121204026-A-T.
Other names: short protein forms S1879T.
Identifiers: ClinVar variation 2563759 (VCV002563759.2), dbSNP rs2048001959, ClinGen allele CA354089404.

ClinVar aggregate classification (germline): Uncertain significance (1 of 4 stars; one submission).

gnomAD v4.1: 3 of 1,584,162 alleles (0.00019%); highest among the groups gnomAD compares: Non-Finnish European, 0.00026%; no homozygotes.

Submission:

Ambry Genetics
Classification: Uncertain significance. Last evaluated: 2023-03-17. Review status: criteria provided, single submitter. Criteria: Ambry Variant Classification Scheme 2023. Collection method: clinical testing. Allele origin: germline.
Comment: The p.S1879T variant (also known as c.5635T>A), located in coding exon 17 of the POLQ gene, results from a T to A substitution at nucleotide position 5635. The serine at codon 1879 is replaced by threonine, an amino acid with similar properties. This amino acid position is conserved. In addition, this alteration is predicted to be tolerated by in silico analysis. Since supporting evidence is limited at this time, the clinical significance of this alteration remains unclear.